The following is an entry in ClinVar:

NM_003743.5(NCOA1):c.3144G>A (p.Pro1048=)

Gene: NCOA1 (nuclear receptor coactivator 1; plus strand). Cytogenetic location: 2p23.3.
Variant type: single nucleotide variant.
Coding change: c.3144G>A on transcript NM_003743.5 (MANE Select); coding-DNA position 3144, G replaced by A.
Protein change: p.Pro1048=; no amino-acid change (proline 1048 retained).
Molecular consequence: synonymous variant.
Genome position (GRCh38, 1-based): chr2:24,729,758, G>A. VCF-style: chr2-24729758-G-A. GRCh37 (hg19) VCF-style: chr2-24952627-G-A.
Other names: c.3144G>A, p.Pro1048= (NM_001362950.1, NM_001362952.1, NM_001362954.1 and 3 more transcripts).
Identifiers: ClinVar variation 3050792 (VCV003050792.2), dbSNP rs758266648, ClinGen allele CA1552572.

ClinVar aggregate classification (germline): Likely benign (0 of 4 stars; one submission).

Conditions:
NCOA1-related disorder. Also called: NCOA1-related condition.

Allele frequency attached by ClinVar (database versions not stated): gnomAD exomes 0.00002; ExAC 0.00003; gnomAD 0.00008; TOPMed 0.00011.
gnomAD v4.1: 35 of 1,614,024 alleles (0.0022%); highest among the groups gnomAD compares: African/African-American, 0.027%; no homozygotes.

Submission:

PreventionGenetics, part of Exact Sciences
Classification: Likely benign for NCOA1-related condition. Last evaluated: 2019-09-14. Review status: no assertion criteria provided. Collection method: clinical testing. Allele origin: germline.
Comment: This variant is classified as likely benign based on ACMG/AMP sequence variant interpretation guidelines (Richards et al. 2015 PMID: 25741868, with internal and published modifications).